The following continues an entry in ClinVar:

NM_000492.4(CFTR):c.3274T>C (p.Tyr1092His)

ClinVar aggregate classification (germline): Conflicting classifications of pathogenicity. Pathogenic (1); Likely pathogenic (2); Uncertain significance (12).

Submissions 7 to 16 of 16:

Blueprint Genetics
Classification: Uncertain significance. Last evaluated: 2024-08-22. Review status: criteria provided, single submitter. Criteria: ACMG Guidelines, 2015. Collection method: clinical testing. Allele origin: germline.

Johns Hopkins Genomics, Johns Hopkins University
Classification: Uncertain significance for Cystic fibrosis. Last evaluated: 2024-08-12. Review status: criteria provided, single submitter. Criteria: ACMG Guidelines, 2015. Collection method: clinical testing. Allele origin: germline.
Comment: PS3_supporting, PM2

Fulgent Genetics
Classification: Uncertain significance for Hereditary pancreatitis; Bronchiectasis with or without elevated sweat chloride 1; Cystic fibrosis; Congenital bilateral aplasia of vas deferens from CFTR mutation. Last evaluated: 2024-06-24. Review status: criteria provided, single submitter. Criteria: ACMG Guidelines, 2015. Collection method: clinical testing. Allele origin: germline.

Genome-Nilou Lab
Classification: Uncertain significance for Cystic fibrosis. Last evaluated: 2021-07-14. Review status: criteria provided, single submitter. Criteria: ACMG Guidelines, 2015. Collection method: clinical testing. Allele origin: germline. Affected: no.

ARUP Laboratories, Molecular Genetics and Genomics, ARUP Laboratories
Classification: Uncertain significance. Last evaluated: 2021-01-14. Review status: criteria provided, single submitter. Criteria: ARUP Molecular Germline Variant Investigation Process 2021. Collection method: clinical testing. Allele origin: germline.
Comment: The CFTR c.3274T>C; p.Tyr1092His variant (rs376968326) is reported in the literature in the compound heterozygous state with a known pathogenic variant in individuals affected with cystic fibrosis (Prontera 2016, Trujillano 2013). This variant is reported in ClinVar (Variation ID: 495930), and is only observed on seven alleles in the Genome Aggregation Database, indicating it is not a common polymorphism. The tyrosine at codon 1092 is highly conserved, and computational analyses (SIFT, PolyPhen-2) predict that this variant is deleterious. However, given the limited clinical data and lack of functional data, the significance of the p.Tyr1092His variant is uncertain at this time. References: Prontera P et al. A Clinical and Molecular Survey of 62 Cystic Fibrosis Patients from Umbria (Central Italy) Disclosing a High Frequency (2.4%) of the 2184insA Allele: Implications for Screening. Public Health Genomics. 2016;19(6):336-341. Trujillano D et al. Next generation diagnostics of cystic fibrosis and CFTR-related disorders by targeted multiplex high-coverage resequencing of CFTR. J Med Genet. 2013;50(7):455-462.

Mayo Clinic Laboratories, Mayo Clinic
Classification: Uncertain significance. Last evaluated: 2020-12-02. Review status: criteria provided, single submitter. Criteria: ACMG Guidelines, 2015. Collection method: clinical testing. Allele origin: germline. Observed: 1 variant allele.

GeneDx
Classification: Uncertain significance. Last evaluated: 2020-02-11. Review status: criteria provided, single submitter. Criteria: GeneDx Variant Classification Process June 2021. Collection method: clinical testing. Allele origin: germline. Affected: yes.
Comment: In silico analysis supports that this missense variant does not alter protein structure/function; Observed with a pathogenic variant in an individual with cystic fibrosis in published literature, but it is not known whether the variants occurred on the same (in cis) or on different (in trans) chromosomes (Prontera 2016); This variant is associated with the following publications: (PMID: 23687349, 27728908, 25087612)

Eurofins Ntd Llc (ga)
Classification: Uncertain significance. Last evaluated: 2018-01-22. Review status: criteria provided, single submitter. Criteria: EGL Classification Definitions 2015. Collection method: clinical testing. Allele origin: germline. Observed: 1 variant allele, 1 heterozygote.

Kariminejad - Najmabadi Pathology & Genetics Center
Classification: Likely pathogenic for Cystic fibrosis. Review status: criteria provided, single submitter. Criteria: ACMG Guidelines, 2015. Collection method: clinical testing. Allele origin: germline. Affected: no.

Natera, Inc.
Classification: Uncertain significance for CFTR-related disorders. Last evaluated: 2018-06-06. Review status: no assertion criteria provided. Collection method: clinical testing. Allele origin: germline. Not counted in ClinVar's aggregate classification.

Literature cited by the submitters: PubMed 41019016 (cited by Victorian Clinical Genetics Services, Murdoch Childrens Research Institute and Women's Health and Genetics/Laboratory Corporation of America, LabCorp); PubMed 27728908 (cited by 6 submitters); PubMed 36828084 (cited by 3 submitters); PubMed 32357917 (cited by Victorian Clinical Genetics Services, Murdoch Childrens Research Institute); PubMed 23687349 (cited by 6 submitters); PubMed 38388235 (cited by 4 submitters); PubMed 12938099 (cited by Victorian Clinical Genetics Services, Murdoch Childrens Research Institute); PubMed 35273129 (cited by 5 submitters); PubMed 11504857 (cited by Women's Health and Genetics/Laboratory Corporation of America, LabCorp); PubMed 25087612 (cited by 3 submitters); PubMed 25735457 (cited by Women's Health and Genetics/Laboratory Corporation of America, LabCorp and Quest Diagnostics Nichols Institute San Juan Capistrano); PubMed 26990548 (cited by Women's Health and Genetics/Laboratory Corporation of America, LabCorp and Quest Diagnostics Nichols Institute San Juan Capistrano); PubMed 34140271 (cited by Women's Health and Genetics/Laboratory Corporation of America, LabCorp and Quest Diagnostics Nichols Institute San Juan Capistrano); PubMed 32734384 (cited by Quest Diagnostics Nichols Institute San Juan Capistrano); PubMed 8662892 (cited by Johns Hopkins Genomics, Johns Hopkins University).